The following is an entry in ClinVar:

NM_004415.4(DSP):c.4109T>A (p.Ile1370Asn)

Gene: DSP (desmoplakin; plus strand). Cytogenetic location: 6p24.3.
Variant type: single nucleotide variant.
Coding change: c.4109T>A on transcript NM_004415.4 (MANE Select); coding-DNA position 4109, T replaced by A.
Protein change: p.Ile1370Asn; replaces isoleucine 1370 with asparagine.
Molecular consequence: missense variant. On other transcripts: intron variant (2).
Genome position (GRCh38, 1-based): chr6:7,580,299, T>A. VCF-style: chr6-7580299-T-A. GRCh37 (hg19) VCF-style: chr6-7580532-T-A.
Other names: c.4050+59T>A (NM_001319034.2); c.3582+527T>A (NM_001008844.3); short protein forms I1370N.
Identifiers: ClinVar variation 849907 (VCV000849907.12), dbSNP rs1759384359, ClinGen allele CA362685577.

ClinVar aggregate classification (germline): Uncertain significance. Review status: criteria provided, multiple submitters, no conflicts (2 of 4 stars). 2 submissions from 2 submitters: Uncertain significance (2). Last evaluated 2025-10-29.

Conditions:
Cardiovascular phenotype. Identifiers: MedGen CN230736.
Arrhythmogenic right ventricular dysplasia 8 (ARVD8). Also called: ARRHYTHMOGENIC RIGHT VENTRICULAR DYSPLASIA, FAMILIAL, 8; ARRHYTHMOGENIC RIGHT VENTRICULAR CARDIOMYOPATHY 8; Arrhythmogenic Right Ventricular Dysplasia/Cardiomyopathy 8. Identifiers: MedGen C1843896, MONDO:0011831, OMIM 607450.
Arrhythmogenic cardiomyopathy with wooly hair and keratoderma. Also called: Carvajal syndrome; Dilated cardiomyopathy with woolly hair and keratoderma; PALMOPLANTAR KERATODERMA WITH LEFT VENTRICULAR CARDIOMYOPATHY AND WOOLLY HAIR; Arrhythmogenic cardiomyopathy with woolly hair and keratoderma. Identifiers: Orphanet 65282, MedGen C1854063, MONDO:0011581, OMIM 605676.

Submissions (2):

Labcorp Genetics (formerly Invitae), Labcorp
Classification: Uncertain significance for Arrhythmogenic cardiomyopathy with wooly hair and keratoderma; Arrhythmogenic right ventricular dysplasia 8. Last evaluated: 2025-10-29. Review status: criteria provided, single submitter. Criteria: Invitae Variant Classification Sherloc (09022015). Collection method: clinical testing. Allele origin: germline.
Comment: This sequence change replaces isoleucine, which is neutral and non-polar, with asparagine, which is neutral and polar, at codon 1370 of the DSP protein (p.Ile1370Asn). This variant is not present in population databases (gnomAD no frequency). This variant has not been reported in the literature in individuals affected with DSP-related conditions. ClinVar contains an entry for this variant (Variation ID: 849907). An algorithm developed to predict the effect of missense changes on protein structure and function (PolyPhen-2) suggests that this variant is likely to be disruptive. In summary, the available evidence is currently insufficient to determine the role of this variant in disease. Therefore, it has been classified as a Variant of Uncertain Significance.

Ambry Genetics
Classification: Uncertain significance for Cardiovascular phenotype. Last evaluated: 2022-08-16. Review status: criteria provided, single submitter. Criteria: Ambry Variant Classification Scheme 2023. Collection method: clinical testing. Allele origin: germline.
Comment: The p.I1370N variant (also known as c.4109T>A), located in coding exon 23 of the DSP gene, results from a T to A substitution at nucleotide position 4109. The isoleucine at codon 1370 is replaced by asparagine, an amino acid with dissimilar properties. This amino acid position is conserved. In addition, the in silico prediction for this alteration is inconclusive. Since supporting evidence is limited at this time, the clinical significance of this alteration remains unclear.